The following is an entry in ClinVar:

ClinVar aggregate classification (germline): Pathogenic (1 of 4 stars; one submission).

Conditions:
Nephronophthisis. Also called: Juvenile Nephronophthisis. Identifiers: Orphanet 655, MedGen C0687120, MONDO:0019005, HP:0000090.
Jeune thoracic dystrophy. Also called: Jeune syndrome; Infantile thoracic dystrophy; Thoracic pelvic phalangeal dystrophy; Jeune's syndrome; Chondroectodermal dysplasia-like syndrome; Short-rib thoracic dysplasia. Identifiers: Orphanet 474, MedGen C0265275, MONDO:0018770.

Submission:

Labcorp Genetics (formerly Invitae), Labcorp
Classification: Pathogenic for Jeune thoracic dystrophy; Nephronophthisis. Last evaluated: 2022-03-19. Review status: criteria provided, single submitter. Criteria: Invitae Variant Classification Sherloc (09022015). Collection method: clinical testing. Allele origin: germline.
Comment: For these reasons, this variant has been classified as Pathogenic. This sequence change creates a premature translational stop signal (p.Leu336Trpfs*3) in the TTC21B gene. It is expected to result in an absent or disrupted protein product. Loss-of-function variants in TTC21B are known to be pathogenic (PMID: 18327258, 21068128, 21258341, 23559409, 24876116, 25492405, 27491411, 29068549). This variant is not present in population databases (gnomAD no frequency). This variant has not been reported in the literature in individuals affected with TTC21B-related conditions.

Literature cited by the submitters: PubMed 18327258; PubMed 21068128; PubMed 21258341; PubMed 23559409; PubMed 24876116; PubMed 25492405; PubMed 27491411; PubMed 29068549.

NM_024753.5(TTC21B):c.1007_1025del (p.Leu336fs)

Gene: TTC21B (tetratricopeptide repeat domain 21B; minus strand). Cytogenetic location: 2q24.3.
Variant type: Deletion.
Coding change: c.1007_1025del on transcript NM_024753.5 (MANE Select); coding-DNA positions 1007 to 1025, 19 bases deleted (TACAAGGAAGAGTTAAAGA).
Protein change: p.Leu336fs; shifts the reading frame from leucine 336.
Molecular consequence: frameshift variant.
Genome position (GRCh38, 1-based): chr2:165,930,234-165,930,252, TCTTTAACTCTTCCTTGTA deleted on the plus strand (TACAAGGAAGAGTTAAAGA on the coding strand, the reverse complement: TTC21B is on the minus strand). VCF-style (leftmost placement, unchanged base first): chr2-165930233-CTCTTTAACTCTTCCTTGTA-C. GRCh37 (hg19) VCF-style: chr2-166786743-CTCTTTAACTCTTCCTTGTA-C.
Other names: short protein forms L336fs.
Identifiers: ClinVar variation 1424345 (VCV001424345.6), dbSNP rs2105344608, ClinGen allele CA2573133481.
Genomic context (GRCh38, chr2:165,930,233, plus strand): 5'-AACTAGGGCAGACACACTAGTCTCATCAAGTGTCATGGCGGTCTTATACCACTTCAGTGC[CTCTTTAACTCTTCCTTGTA>C]AAATCATTTGGTATCCAAGTTCTGTAGCAAATTCTGATTGCTGAGGGTTTAAACTAAAAG-3'